The following is an entry in ClinVar:

NM_003924.4(PHOX2B):c.801_802delinsAA (p.Gly268Ser)

Gene: PHOX2B (paired like homeobox 2B; minus strand). Cytogenetic location: 4p13.
Variant type: Indel.
Coding change: c.801_802delinsAA on transcript NM_003924.4 (MANE Select); coding-DNA positions 801 to 802, GG replaced by AA.
Protein change: p.Gly268Ser; replaces glycine 268 with serine.
Molecular consequence: missense variant.
Genome position (GRCh38, 1-based): chr4:41,745,950-41,745,951, CC replaced by TT on the plus strand (GG replaced by AA on the coding strand, the reverse complement: PHOX2B is on the minus strand). VCF-style: chr4-41745950-CC-TT. GRCh37 (hg19) VCF-style: chr4-41747967-CC-TT.
Other names: short protein forms G268S.
Identifiers: ClinVar variation 4136083 (VCV004136083.1).

ClinVar aggregate classification (germline): Uncertain significance (1 of 4 stars; one submission).

Conditions:
Hereditary cancer-predisposing syndrome. Also called: Hereditary neoplastic syndrome; Neoplastic Syndromes, Hereditary; Tumor predisposition; Hereditary Cancer Syndrome. Identifiers: Orphanet 140162, MedGen C0027672, MeSH D009386, MONDO:0015356.

Submission:

Ambry Genetics
Classification: Uncertain significance for Hereditary cancer-predisposing syndrome. Last evaluated: 2025-08-16. Review status: criteria provided, single submitter. Criteria: Ambry Variant Classification Scheme 2023. Collection method: clinical testing. Allele origin: germline.
Comment: The c.801_802delGGinsAA variant (also known as p.G268S), located in coding exon 3 of the PHOX2B gene, results from an in-frame deletion of GG and insertion of AA at nucleotide positions 801 to 802. This results in the substitution of the glycine residue for a serine residue at codon 268, an amino acid with similar properties. This amino acid position is highly conserved in available vertebrate species. In addition, this variant is predicted to be neutral by in silico analysis (Choi Y et al. PLoS ONE. 2012; 7(10):e46688). Based on the available evidence, the clinical significance of this variant remains unclear.